The following is an entry in ClinVar:

NM_001376013.1(EPB41):c.2540A>G (p.Asp847Gly)

Gene: EPB41 (erythrocyte membrane protein band 4.1; plus strand). Cytogenetic location: 1p35.3.
Variant type: single nucleotide variant.
Coding change: c.2540A>G on transcript NM_001376013.1 (MANE Select); coding-DNA position 2540, A replaced by G.
Protein change: p.Asp847Gly; replaces aspartic acid 847 with glycine.
Molecular consequence: missense variant.
Genome position (GRCh38, 1-based): chr1:29,115,742, A>G. VCF-style: chr1-29115742-A-G. GRCh37 (hg19) VCF-style: chr1-29442254-A-G.
Other names: c.2540A>G, p.Asp847Gly (NM_001166005.2); c.1751A>G, p.Asp584Gly (NM_001166007.2); c.2471A>G, p.Asp824Gly (NM_001376014.1); c.2435A>G, p.Asp812Gly (NM_001376015.1); c.1913A>G, p.Asp638Gly (NM_001376022.1); c.1712A>G, p.Asp571Gly (NM_004437.4); c.1871A>G, p.Asp624Gly (NM_203342.3); c.2273A>G, p.Asp758Gly (NM_203343.3); and 1 more; short protein forms D571G, D584G, D624G, D638G, D758G, D812G, D824G, D847G.
Identifiers: ClinVar variation 4539412 (VCV004539412.2).

ClinVar aggregate classification (germline): Uncertain significance. Review status: criteria provided, multiple submitters, no conflicts (2 of 4 stars). 2 submissions from 2 submitters: Uncertain significance (2). Last evaluated 2025-12-29.

Conditions:
Inborn genetic diseases. Identifiers: MedGen C0950123, MeSH D030342.

gnomAD v4.1: 3 of 1,614,134 alleles (0.00019%); highest among the groups gnomAD compares: Non-Finnish European, 0.00025%; no homozygotes.

Submissions (2):

Center for Genomic Medicine, Rigshospitalet, Copenhagen University Hospital
Classification: Uncertain significance. Last evaluated: 2025-12-29. Review status: criteria provided, single submitter. Criteria: ACMG Guidelines, 2015. Collection method: clinical testing. Allele origin: germline.
Comment: Classification criteria: PP3_Moderate, PM2_Supporting

Ambry Genetics
Classification: Uncertain significance for Inborn genetic diseases. Last evaluated: 2025-11-20. Review status: criteria provided, single submitter. Criteria: Ambry Variant Classification Scheme 2023. Collection method: clinical testing. Allele origin: germline.